The following is an entry in ClinVar:

ClinVar aggregate classification (germline): Uncertain significance. Review status: criteria provided, multiple submitters, no conflicts (2 of 4 stars). 2 submissions from 2 submitters: Uncertain significance (2). Last evaluated 2024-01-23.

Conditions:
Inborn genetic diseases. Identifiers: MedGen C0950123, MeSH D030342.

Allele frequency attached by ClinVar (database versions not stated): 1000 Genomes Project 30x 0.00016.
gnomAD v4.1: 35 of 1,613,918 alleles (0.0022%); highest among the groups gnomAD compares: African/African-American, 0.04%; no homozygotes.

Submissions (2):

Ambry Genetics
Classification: Uncertain significance for Inborn genetic diseases. Last evaluated: 2024-01-23. Review status: criteria provided, single submitter. Criteria: Ambry Variant Classification Scheme 2023. Collection method: clinical testing. Allele origin: germline.

Labcorp Genetics (formerly Invitae), Labcorp
Classification: Uncertain significance. Last evaluated: 2022-04-11. Review status: criteria provided, single submitter. Criteria: Invitae Variant Classification Sherloc (09022015). Collection method: clinical testing. Allele origin: germline.
Comment: Algorithms developed to predict the effect of missense changes on protein structure and function (SIFT, PolyPhen-2, Align-GVGD) all suggest that this variant is likely to be disruptive. In summary, the available evidence is currently insufficient to determine the role of this variant in disease. Therefore, it has been classified as a Variant of Uncertain Significance. This variant has not been reported in the literature in individuals affected with UPB1-related conditions. This variant is present in population databases (rs144213713, gnomAD 0.03%). This sequence change replaces arginine, which is basic and polar, with glutamine, which is neutral and polar, at codon 288 of the UPB1 protein (p.Arg288Gln).

NM_016327.3(UPB1):c.863G>A (p.Arg288Gln)

Gene: UPB1 (beta-ureidopropionase 1; plus strand). Cytogenetic location: 22q11.23.
Variant type: single nucleotide variant.
Coding change: c.863G>A on transcript NM_016327.3 (MANE Select); coding-DNA position 863, G replaced by A.
Protein change: p.Arg288Gln; replaces arginine 288 with glutamine.
Molecular consequence: missense variant.
Genome position (GRCh38, 1-based): chr22:24,520,458, G>A. VCF-style: chr22-24520458-G-A. GRCh37 (hg19) VCF-style: chr22-24916426-G-A.
Other names: c.863G>A (NM_016327.2); short protein forms R288Q.
Identifiers: ClinVar variation 2191345 (VCV002191345.5), dbSNP rs144213713, ClinGen allele CA10153378.